The following is an entry in ClinVar:

ClinVar aggregate classification (germline): Pathogenic (1 of 4 stars; one submission).

Conditions:
Primary ciliary dyskinesia. Also called: Ciliary dyskinesia. Identifiers: Orphanet 244, MedGen C0008780, MONDO:0016575, HP:0012265.

Submission:

Ambry Genetics
Classification: Pathogenic for Primary ciliary dyskinesia. Last evaluated: 2019-05-09. Review status: criteria provided, single submitter. Criteria: Ambry Variant Classification Scheme 2023. Collection method: clinical testing. Allele origin: germline.
Comment: The c.1233dupG variant, located in coding exon 8 of the CCDC40 gene, results from a duplication of G at nucleotide position 1233, causing a translational frameshift with a predicted alternate stop codon (p.R412Afs*2). This alteration is expected to result in loss of function by premature protein truncation or nonsense-mediated mRNA decay. As such, this alteration is interpreted as a disease-causing mutation.

NM_017950.4(CCDC40):c.1233dup (p.Arg412fs)

Gene: CCDC40 (coiled-coil domain 40 molecular ruler complex subunit; plus strand). Cytogenetic location: 17q25.3.
Variant type: Duplication.
Coding change: c.1233dup on transcript NM_017950.4 (MANE Select); coding-DNA position 1233, one base duplicated (G; older notation c.1233dupG).
Protein change: p.Arg412fs; shifts the reading frame from arginine 412.
Molecular consequence: frameshift variant.
Genome position (GRCh38, 1-based): chr17:80,058,567, G duplicated. VCF-style (leftmost placement, unchanged base first): chr17-80058566-T-TG. GRCh37 (hg19) VCF-style: chr17-78032365-T-TG.
Other names: c.1233dup, p.Arg412fs (NM_001243342.2, NM_001330508.2); short protein forms R412fs.
Identifiers: ClinVar variation 1756199 (VCV001756199.2), dbSNP rs2510295858, ClinGen allele CA2580095264.